The following is an entry in ClinVar:

ClinVar aggregate classification (germline): Uncertain significance (1 of 4 stars; one submission).

Conditions:
Cardiovascular phenotype. Identifiers: MedGen CN230736.

Allele frequency attached by ClinVar (database versions not stated): gnomAD 0.00001.
gnomAD v4.1: 4 of 1,613,900 alleles (0.00025%); highest among the groups gnomAD compares: Non-Finnish European, 0.00025%; no homozygotes.

Submission:

Ambry Genetics
Classification: Uncertain significance for Cardiovascular phenotype. Last evaluated: 2023-09-01. Review status: criteria provided, single submitter. Criteria: Ambry Variant Classification Scheme 2023. Collection method: clinical testing. Allele origin: germline.
Comment: The p.L2557F variant (also known as c.7671G>T), located in coding exon 9 of the ALMS1 gene, results from a G to T substitution at nucleotide position 7671. The amino acid change results in leucine to phenylalanine at codon 2557, an amino acid with highly similar properties. This amino acid position is well conserved in available vertebrate species. In addition, this alteration is predicted to be tolerated by in silico analysis. Since supporting evidence is limited at this time, the clinical significance of this alteration remains unclear.

NM_001378454.1(ALMS1):c.7668G>T (p.Leu2556Phe)

Gene: ALMS1 (ALMS1 centrosome and basal body associated protein; plus strand). Cytogenetic location: 2p13.1.
Variant type: single nucleotide variant.
Coding change: c.7668G>T on transcript NM_001378454.1 (MANE Select); coding-DNA position 7668, G replaced by T.
Protein change: p.Leu2556Phe; replaces leucine 2556 with phenylalanine.
Molecular consequence: missense variant.
Genome position (GRCh38, 1-based): chr2:73,455,289, G>T. VCF-style: chr2-73455289-G-T. GRCh37 (hg19) VCF-style: chr2-73682416-G-T.
Other names: c.7671G>T, p.Leu2557Phe (NM_015120.4); short protein forms L2556F, L2557F.
Identifiers: ClinVar variation 2626200 (VCV002626200.2), dbSNP rs769369547, ClinGen allele CA1714292.
Genomic context (GRCh38, chr2:73,455,289, plus strand): 5'-CAGGAGGAAAGTAGAAGAGATCAAGGCAGAGTTATTTGGTCATGGAAGAACAACTGACTT[G>T]TCCAAGGTATAAAAGAAATCTGGAAATGAAGAAAGTAAATATGAAAGAATGGGTGATGGA-3'
Protein context (NP_001365383.1, residues 2546-2566): ELFGHGRTTD[Leu2556Phe]SKGLQSPRGM